The following is an entry in ClinVar:

ClinVar aggregate classification (germline): Likely pathogenic (1 of 4 stars; one submission).

Conditions:
Glycogen storage disease, type II (IOPD). Also called: Glucosidase acid-1,4-alpha deficiency; Pompe Disease; CARDIOMEGALIA GLYCOGENICA DIFFUSA; Glycogen storage disease type 2; Acid maltase deficiency disease; Aglucosidase alfa. Identifiers: Orphanet 365, MedGen C0017921, MONDO:0009290, OMIM 232300.

Submission:

Natera, Inc.
Classification: Likely pathogenic for Glycogen storage disease type II. Last evaluated: 2026-01-20. Review status: criteria provided, single submitter. Criteria: Natera Variant Classification Schema (03/2026). Collection method: clinical testing. Allele origin: germline.
Comment: The c.1159del variant in GAA is a frameshift variant predicted to shift the reading frame beginning at codon 387 and leads to a stop codon 5 codons downstream. This variant is expected to result in nonsense mediated decay, truncation, or a dysfunctional protein product. This variant is rare in the general population with a frequency below the threshold expected for the associated phenotype(s). Given the available evidence, this variant is classified as Likely Pathogenic.

NM_000152.5(GAA):c.1159del (p.Val387fs)

Gene: GAA (alpha glucosidase; plus strand). Cytogenetic location: 17q25.3.
Variant type: Deletion.
Coding change: c.1159del on transcript NM_000152.5 (MANE Select); coding-DNA position 1159, one base deleted (G; older notation c.1159delG).
Protein change: p.Val387fs; shifts the reading frame from valine 387.
Molecular consequence: frameshift variant.
Genome position (GRCh38, 1-based): chr17:80,108,572, G deleted; the last of 2 consecutive G bases (chr17:80,108,571-80,108,572); deleting either gives the same sequence. VCF-style (leftmost placement, unchanged base first): chr17-80108570-AG-A. GRCh37 (hg19) VCF-style: chr17-78082369-AG-A.
Other names: c.1159del, p.Val387fs (NM_001079803.3, NM_001079804.3, NM_001406741.1 and 1 more transcripts); short protein forms V387fs.
Identifiers: ClinVar variation 4817579 (VCV004817579.1).